The following is an entry in ClinVar:

NM_003742.4(ABCB11):c.3568G>A (p.Ala1190Thr)

Gene: ABCB11 (ATP binding cassette subfamily B member 11; minus strand). Cytogenetic location: 2q31.1.
Variant type: single nucleotide variant.
Coding change: c.3568G>A on transcript NM_003742.4 (MANE Select); coding-DNA position 3568, G replaced by A.
Protein change: p.Ala1190Thr; replaces alanine 1190 with threonine.
Molecular consequence: missense variant.
Genome position (GRCh38, 1-based): chr2:168,927,206, C>T on the plus strand (G>A on the coding strand, the complement: ABCB11 is on the minus strand). VCF-style: chr2-168927206-C-T. GRCh37 (hg19) VCF-style: chr2-169783716-C-T.
Other names: short protein forms A1190T.
Identifiers: ClinVar variation 4846728 (VCV004846728.1).

ClinVar aggregate classification (germline): Uncertain significance (1 of 4 stars; one submission).

Conditions:
Familial intrahepatic cholestasis. Identifiers: Orphanet 284385, MedGen CN296401, MONDO:0017290.

gnomAD v4.1: 13 of 1,613,856 alleles (0.00081%); highest among the groups gnomAD compares: South Asian, 0.0099%; no homozygotes.

Submission:

Genomenon, Inc
Classification: Uncertain significance for Familial intrahepatic cholestasis. Last evaluated: 2026-04-14. Review status: criteria provided, single submitter. Criteria: Genomenon Sequence Variant Interpretation Standards - Updated. Collection method: curation. Allele origin: germline. Affected: yes.
Comment: ABCB11 p.Ala1190Thr (c.3568G>A) is a missense variant that changes the amino acid at residue 1190 from Alanine to Threonine. This variant has been observed in at least one proband with an ABCB11-related disorder (PMID:39143102). It is absent or not present at a significant frequency in gnomAD. In silico models predict that this variant is not damaging. In conclusion, we classify ABCB11 p.Ala1190Thr (c.3568G>A) as a variant of uncertain significance.

Literature cited by the submitters: PubMed 39143102.